The following is an entry in ClinVar:

ClinVar aggregate classification (germline): Uncertain significance. Review status: criteria provided, multiple submitters, no conflicts (2 of 4 stars). 2 submissions from 2 submitters: Uncertain significance (2). Last evaluated 2025-11-18.

Conditions:
NPHP1-related disorder. Also called: NPHP1-related disorders; NPHP1-related condition.
Nephronophthisis. Also called: Juvenile Nephronophthisis. Identifiers: Orphanet 655, MedGen C0687120, MONDO:0019005, HP:0000090.

Allele frequency attached by ClinVar (database versions not stated): TOPMed 0.00001.

Submissions (2):

PreventionGenetics, part of Exact Sciences
Classification: Uncertain significance for NPHP1-related condition. Last evaluated: 2025-11-18. Review status: criteria provided, single submitter. Criteria: ACMG Guidelines, 2015. Collection method: clinical testing. Allele origin: germline.
Comment: The NPHP1 c.231C>G variant is predicted to result in the amino acid substitution p.Asn77Lys. To our knowledge, this variant has not been reported in the literature or in a large population database (gnomAD), indicating this variant is rare. At this time, the clinical significance of this variant is uncertain due to the absence of conclusive functional and genetic evidence.

Labcorp Genetics (formerly Invitae), Labcorp
Classification: Uncertain significance for Nephronophthisis. Last evaluated: 2022-03-03. Review status: criteria provided, single submitter. Criteria: Invitae Variant Classification Sherloc (09022015). Collection method: clinical testing. Allele origin: germline.
Comment: In summary, the available evidence is currently insufficient to determine the role of this variant in disease. Therefore, it has been classified as a Variant of Uncertain Significance. Algorithms developed to predict the effect of missense changes on protein structure and function are either unavailable or do not agree on the potential impact of this missense change (SIFT: "Deleterious"; PolyPhen-2: "Possibly Damaging"; Align-GVGD: "Class C0"). ClinVar contains an entry for this variant (Variation ID: 943367). This variant has not been reported in the literature in individuals affected with NPHP1-related conditions. This variant is not present in population databases (gnomAD no frequency). This sequence change replaces asparagine, which is neutral and polar, with lysine, which is basic and polar, at codon 77 of the NPHP1 protein (p.Asn77Lys).

NM_001128178.3(NPHP1):c.231C>G (p.Asn77Lys)

Gene: NPHP1 (nephrocystin 1; minus strand). Cytogenetic location: 2q13.
Variant type: single nucleotide variant.
Coding change: c.231C>G on transcript NM_001128178.3 (MANE Select); coding-DNA position 231, C replaced by G.
Protein change: p.Asn77Lys; replaces asparagine 77 with lysine.
Molecular consequence: missense variant. On other transcripts: intron variant (1).
Genome position (GRCh38, 1-based): chr2:110,178,521, G>C on the plus strand (C>G on the coding strand, the complement: NPHP1 is on the minus strand). VCF-style: chr2-110178521-G-C. GRCh37 (hg19) VCF-style: chr2-110936098-G-C.
Other names: c.231C>G, p.Asn77Lys (NM_000272.5, NM_001374256.1, NM_001374257.1 and 1 more transcripts); c.144-8523C>G (NM_001128179.3); short protein forms N77K.
Identifiers: ClinVar variation 943367 (VCV000943367.10), dbSNP rs1373708368, ClinGen allele CA348093535.